The following is an entry in ClinVar:

NM_152564.5(VPS13B):c.9331-1G>A

Gene: VPS13B (vacuolar protein sorting 13 homolog B; plus strand). Cytogenetic location: 8q22.2.
Variant type: single nucleotide variant.
Coding change: c.9331-1G>A on transcript NM_152564.5 (MANE Select); the canonical splice acceptor site of the intron before coding-DNA position 9331, G replaced by A.
Molecular consequence: splice acceptor variant.
Genome position (GRCh38, 1-based): chr8:99,832,368, G>A. VCF-style: chr8-99832368-G-A. GRCh37 (hg19) VCF-style: chr8-100844596-G-A.
Other names: c.9331-1G>A (NM_152564.4); c.9406-1G>A (NM_017890.5).
Identifiers: ClinVar variation 370547 (VCV000370547.17), dbSNP rs386834119, ClinGen allele CA16041261.
Genomic context (GRCh38, chr8:99,832,368, plus strand): 5'-CTGCTGTATTACTGTAGCTAATGTGCTCTCTGCATTTTTTTTTTTTTTTTTTTTTTTTTA[G>A]TATTTTCGTGTTCCAGACAGTGCTACTTTTAGCATTTGCCCAGGTGGAGAGCAGCCTGCT-3'

ClinVar aggregate classification (germline): Pathogenic. Review status: criteria provided, multiple submitters, no conflicts (2 of 4 stars). 6 submissions from 6 submitters: Pathogenic (5). 1 of the submissions does not count toward it. Last evaluated 2026-09-11.

Conditions:
VPS13B-related disorder. Also called: VPS13B-related condition.
Cohen syndrome (COH1). Also called: PEPPER SYNDROME; Cutis verticis gyrata, retinitis pigmentosa, and sensorineural deafness. Identifiers: Orphanet 193, MedGen C0265223, MONDO:0008999, OMIM 216550.

Submissions (6):

PreventionGenetics, part of Exact Sciences
Classification: Pathogenic for VPS13B-related condition. Last evaluated: 2026-09-11. Review status: criteria provided, single submitter. Criteria: ACMG Guidelines, 2015. Collection method: clinical testing. Allele origin: germline.
Comment: The VPS13B c.9331-1G>A variant is predicted to disrupt the AG splice acceptor site and interfere with normal splicing. This variant is also referred to as IVS51-1G>A and c.9406-1G>A on an alternate transcript (NM_017890). Alternate nucleotide changes at this splice position have been reported in the compound heterozygous and homozygous states in individual with Cohen syndrome (see patient P51-F43 Chehadeh-Djebbar et al. 2013. PubMed ID: 23188044; Hennies et al. 2004. PubMed ID: 15154116; Mégarbané et al. 2009. PubMed ID: 19190672). This variant has not been reported in a large population database (gnomAD), indicating this variant is rare. Variants that disrupt the consensus splice acceptor site in VPS13B are expected to be pathogenic, and we interpret c.9331-1G>A as pathogenic.

Labcorp Genetics (formerly Invitae), Labcorp
Classification: Pathogenic for Cohen syndrome. Last evaluated: 2025-07-28. Review status: criteria provided, single submitter. Criteria: Invitae Variant Classification Sherloc (09022015). Collection method: clinical testing. Allele origin: germline.
Comment: This sequence change affects an acceptor splice site in intron 51 of the VPS13B gene. RNA analysis indicates that disruption of this splice site induces altered splicing and may result in an absent or altered protein product. This variant is not present in population databases (gnomAD no frequency). Disruption of this splice site has been observed in individuals with Cohen syndrome (PMID: 15154116, 19190672). ClinVar contains an entry for this variant (Variation ID: 370547). Studies have shown that disruption of this splice site results in a 16-bp deletion, and produces a non-functional protein and/or introduces a premature termination codon (PMID: 15154116, 19190672). For these reasons, this variant has been classified as Pathogenic.

Dasa
Classification: Pathogenic. Last evaluated: 2025-05-27. Review status: criteria provided, single submitter. Criteria: DASA Assertion Criteria. Collection method: clinical testing. Allele origin: germline.
Comment: NM_152564.5(VPS13B):c.9331-1G>A introduces a premature termination codon predicted to result in loss of normal protein function. Loss-of-function is an established mechanism of disease for this gene. This variant results in the same amino acid change as a previously established pathogenic variant. This variant has been reported in individuals with related phenotype (PMID: 15154116). The variant is present at low frequency in population datasets. Based on the available data, this variant is classified as pathogenic.

Natera, Inc.
Classification: Pathogenic for Cohen syndrome. Last evaluated: 2025-01-26. Review status: criteria provided, single submitter. Criteria: Natera Variant Classification Schema (03/2026). Collection method: clinical testing. Allele origin: germline.
Comment: The c.9406-1G>A variant in VPS13B is a canonical splice acceptor site variant predicted to affect pre-mRNA splicing, which may result in an abnormal transcript and altered protein product. This variant is expected to result in nonsense mediated decay, truncation, or a dysfunctional protein product. This variant is rare in the general population with a frequency below the threshold expected for the associated phenotype(s). Another variant at this same site results in an alteration predicted to cause a similar molecular effect has been observed in individual(s) with the associated phenotype. Given the available evidence, this variant is classified as Pathogenic.

Greenwood Genetic Center Diagnostic Laboratories, Greenwood Genetic Center
Classification: Pathogenic for Cohen syndrome. Last evaluated: 2022-07-20. Review status: criteria provided, single submitter. Criteria: ACMG Guidelines, 2015. Collection method: clinical testing. Allele origin: germline. Affected: yes.
Comment: PVS1, PM2, PM3

Counsyl
Classification: Likely pathogenic for Cohen syndrome. Last evaluated: 2016-02-26. Review status: no assertion criteria provided. Collection method: clinical testing. Allele origin: unknown. Not counted in ClinVar's aggregate classification.

Literature cited by the submitters: PubMed 15154116 (cited by Labcorp Genetics (formerly Invitae), Labcorp and Dasa); PubMed 19190672 (cited by Labcorp Genetics (formerly Invitae), Labcorp).